The following is an entry in ClinVar:

NM_006766.5(KAT6A):c.2798C>T (p.Pro933Leu)

Gene: KAT6A (lysine acetyltransferase 6A; minus strand). Cytogenetic location: 8p11.21.
Variant type: single nucleotide variant.
Coding change: c.2798C>T on transcript NM_006766.5 (MANE Select); coding-DNA position 2798, C replaced by T.
Protein change: p.Pro933Leu; replaces proline 933 with leucine.
Molecular consequence: missense variant.
Genome position (GRCh38, 1-based): chr8:41,941,083, G>A on the plus strand (C>T on the coding strand, the complement: KAT6A is on the minus strand). VCF-style: chr8-41941083-G-A. GRCh37 (hg19) VCF-style: chr8-41798601-G-A.
Other names: short protein forms P933L.
Identifiers: ClinVar variation 5009664 (VCV005009664.1).

ClinVar aggregate classification (germline): Uncertain significance (1 of 4 stars; one submission).

gnomAD v4.1: 1 of 1,614,078 alleles (0.000062%); highest among the groups gnomAD compares: African/African-American, 0.0013%; no homozygotes.

Submission:

GeneDx
Classification: Uncertain significance. Last evaluated: 2026-02-17. Review status: criteria provided, single submitter. Criteria: GeneDx Variant Classification Process June 2021. Collection method: clinical testing. Allele origin: germline.
Comment: Not observed at significant frequency in large population cohorts (gnomAD); In silico analysis suggests that this missense variant does not alter protein structure/function; Has not been previously published as pathogenic or benign to our knowledge